The following is an entry in ClinVar:

ClinVar aggregate classification (germline): Uncertain significance (1 of 4 stars; one submission).

Submission:

GeneDx
Classification: Uncertain significance. Last evaluated: 2021-04-13. Review status: criteria provided, single submitter. Criteria: GeneDx Variant Classification Process June 2021. Collection method: clinical testing. Allele origin: germline. Affected: yes.
Comment: Frameshift variant predicted to result in protein truncation as the last 50 amino acids are replaced with 4 different amino acids, although loss-of-function variants have not been reported downstream of this position in the protein; Has not been previously published as pathogenic or benign to our knowledge

NM_020436.5(SALL4):c.3010del (p.Ala1004fs)

Gene: SALL4 (spalt like transcription factor 4; minus strand). Cytogenetic location: 20q13.2.
Variant type: Deletion.
Coding change: c.3010del on transcript NM_020436.5 (MANE Select); coding-DNA position 3010, one base deleted (G; older notation c.3010delG).
Protein change: p.Ala1004fs; shifts the reading frame from alanine 1004.
Molecular consequence: frameshift variant.
Genome position (GRCh38, 1-based): chr20:51,784,417, C deleted on the plus strand (G on the coding strand, the reverse complement: SALL4 is on the minus strand); the first of 5 consecutive C bases (chr20:51,784,417-51,784,421); deleting any one gives the same sequence. VCF-style (leftmost placement, unchanged base first): chr20-51784416-GC-G. GRCh37 (hg19) VCF-style: chr20-50400955-GC-G.
Other names: c.1699del, p.Ala567fs (NM_001318031.2); short protein forms A1004fs, A567fs.
Identifiers: ClinVar variation 1314754 (VCV001314754.2), dbSNP rs760025285, ClinGen allele CA9911948.
Genomic context (GRCh38, chr20:51,784,416, plus strand): 5'-CTGATACCCGACTGGGAGCCATCCATCTTGGAGACAGTGGCGTTATTCACAACGGAGGTG[GC>G]CCCCAAGGAAACCGGGAGGGTAGGAACCCCCCCACTCTGGATCACAGAGATCTCATTGGT-3'